The following is an entry in ClinVar:

NM_018129.4(PNPO):c.547-2A>T

Gene: PNPO (pyridoxamine 5'-phosphate oxidase; plus strand). Cytogenetic location: 17q21.32.
Variant type: single nucleotide variant.
Coding change: c.547-2A>T on transcript NM_018129.4 (MANE Select); the canonical splice acceptor site of the intron before coding-DNA position 547, A replaced by T.
Molecular consequence: splice acceptor variant.
Genome position (GRCh38, 1-based): chr17:47,946,321, A>T. VCF-style: chr17-47946321-A-T. GRCh37 (hg19) VCF-style: chr17-46023687-A-T.
Identifiers: ClinVar variation 1467523 (VCV001467523.6), dbSNP rs796052869, ClinGen allele CA316563.
Genomic context (GRCh38, chr17:47,946,321, plus strand): 5'-AGTCCTTGTTAATGAATCATTGACTGGGCCTGGCCCTTCTTCTAACTCTTCCCCCTGGAC[A>T]GTATCTGAGAAAGAAAAATGAGGAACTGGAACAGCTCTACCAGGATCAAGAGGTGCCCAA-3'

ClinVar aggregate classification (germline): Likely pathogenic (1 of 4 stars; one submission).

Conditions:
Pyridoxal phosphate-responsive seizures (PNPOD). Also called: Pyridoxamine 5-Prime-Phosphate Oxidase Deficiency; Pyridoxine-5'-phosphate oxidase deficiency; EPILEPTIC ENCEPHALOPATHY, NEONATAL, PNPO-RELATED; SEIZURES, PYRIDOXINE-RESISTANT, PLP-SENSITIVE; Pyridoxal 5'-Phosphate (PLP)-Dependent Epilepsy. Identifiers: Orphanet 79096, MedGen C1864723, MONDO:0012407, OMIM 610090. Disease mechanism: loss of function.

gnomAD v4.1: 2 of 1,608,630 alleles (0.00012%); highest among the groups gnomAD compares: African/African-American, 0.0013%; no homozygotes.

Submission:

Labcorp Genetics (formerly Invitae), Labcorp
Classification: Likely pathogenic for Pyridoxal phosphate-responsive seizures. Last evaluated: 2025-11-25. Review status: criteria provided, single submitter. Criteria: Invitae Variant Classification Sherloc (09022015). Collection method: clinical testing. Allele origin: germline.
Comment: This sequence change affects an acceptor splice site in intron 5 of the PNPO gene. It is expected to disrupt RNA splicing. Variants that disrupt the donor or acceptor splice site typically lead to a loss of protein function (PMID: 16199547), and loss-of-function variants in PNPO are known to be pathogenic (PMID: 15772097, 24645144). This variant is not present in population databases (gnomAD no frequency). This variant has not been reported in the literature in individuals affected with PNPO-related conditions. ClinVar contains an entry for this variant (Variation ID: 1467523). Algorithms developed to predict the effect of sequence changes on RNA splicing suggest that this variant may disrupt the consensus splice site. In summary, the currently available evidence indicates that the variant is pathogenic, but additional data are needed to prove that conclusively. Therefore, this variant has been classified as Likely Pathogenic.

Literature cited by the submitters: PubMed 16199547; PubMed 15772097; PubMed 24645144.